The following is an entry in ClinVar:

ClinVar aggregate classification (germline): Uncertain significance. Review status: criteria provided, multiple submitters, no conflicts (2 of 4 stars). 2 submissions from 2 submitters: Uncertain significance (2). Last evaluated 2025-05-02.

Conditions:
Hereditary cancer-predisposing syndrome. Also called: Neoplastic Syndromes, Hereditary; Hereditary Cancer Syndrome; Tumor predisposition; Hereditary neoplastic syndrome. Identifiers: Orphanet 140162, MedGen C0027672, MeSH D009386, MONDO:0015356.

Submissions (2):

Ambry Genetics
Classification: Uncertain significance for Hereditary cancer-predisposing syndrome. Last evaluated: 2025-05-02. Review status: criteria provided, single submitter. Criteria: Ambry Variant Classification Scheme 2023. Collection method: clinical testing. Allele origin: germline.
Comment: The p.T69N variant (also known as c.206C>A), located in coding exon 3 of the POLE gene, results from a C to A substitution at nucleotide position 206. The threonine at codon 69 is replaced by asparagine, an amino acid with similar properties. This amino acid position is conserved. In addition, this alteration is predicted to be tolerated by in silico analysis. Based on the available evidence, the clinical significance of this variant remains unclear.

Labcorp Genetics (formerly Invitae), Labcorp
Classification: Uncertain significance. Last evaluated: 2023-06-25. Review status: criteria provided, single submitter. Criteria: Invitae Variant Classification Sherloc (09022015). Collection method: clinical testing. Allele origin: germline.
Comment: This sequence change replaces threonine, which is neutral and polar, with asparagine, which is neutral and polar, at codon 69 of the POLE protein (p.Thr69Asn). This variant is not present in population databases (gnomAD no frequency). This variant has not been reported in the literature in individuals affected with POLE-related conditions. ClinVar contains an entry for this variant (Variation ID: 1380024). An algorithm developed to predict the effect of missense changes on protein structure and function (PolyPhen-2) suggests that this variant is likely to be tolerated. In summary, the available evidence is currently insufficient to determine the role of this variant in disease. Therefore, it has been classified as a Variant of Uncertain Significance.

NM_006231.4(POLE):c.206C>A (p.Thr69Asn)

Gene: POLE (DNA polymerase epsilon, catalytic subunit; minus strand). Cytogenetic location: 12q24.33.
Variant type: single nucleotide variant.
Coding change: c.206C>A on transcript NM_006231.4 (MANE Select); coding-DNA position 206, C replaced by A.
Protein change: p.Thr69Asn; replaces threonine 69 with asparagine.
Molecular consequence: missense variant.
Genome position (GRCh38, 1-based): chr12:132,680,686, G>T on the plus strand (C>A on the coding strand, the complement: POLE is on the minus strand). VCF-style: chr12-132680686-G-T. GRCh37 (hg19) VCF-style: chr12-133257272-G-T.
Other names: c.206C>A (NM_006231.2); short protein forms T69N.
Identifiers: ClinVar variation 1380024 (VCV001380024.7), dbSNP rs2136031414, ClinGen allele CA387369457.